The following is an entry in ClinVar:

ClinVar aggregate classification (germline): Conflicting classifications of pathogenicity. Review status: criteria provided, conflicting classifications (1 of 4 stars). 2 submissions from 2 submitters: Uncertain significance (1); Likely benign (1). Last evaluated 2024-12-31.

Conditions:
Hereditary cancer-predisposing syndrome. Also called: Tumor predisposition; Hereditary neoplastic syndrome; Hereditary Cancer Syndrome; Neoplastic Syndromes, Hereditary. Identifiers: Orphanet 140162, MedGen C0027672, MeSH D009386, MONDO:0015356.
Oligodontia-cancer predisposition syndrome. Also called: TOOTH AGENESIS-COLORECTAL CANCER SYNDROME. Identifiers: Orphanet 300576, MedGen C1837750, MONDO:0012075, OMIM 608615. Disease mechanism: loss of function.

Submissions (2):

Ambry Genetics
Classification: Likely benign for Hereditary cancer-predisposing syndrome. Last evaluated: 2024-12-31. Review status: criteria provided, single submitter. Criteria: Ambry Variant Classification Scheme 2023. Collection method: clinical testing. Allele origin: germline.

Labcorp Genetics (formerly Invitae), Labcorp
Classification: Uncertain significance for Oligodontia-cancer predisposition syndrome. Last evaluated: 2019-09-24. Review status: criteria provided, single submitter. Criteria: Invitae Variant Classification Sherloc (09022015). Collection method: clinical testing. Allele origin: germline.
Comment: In summary, the available evidence is currently insufficient to determine the role of this variant in disease. Therefore, it has been classified as a Variant of Uncertain Significance. Algorithms developed to predict the effect of missense changes on protein structure and function (SIFT, PolyPhen-2, Align-GVGD) all suggest that this variant is likely to be tolerated, but these predictions have not been confirmed by published functional studies and their clinical significance is uncertain. This variant has not been reported in the literature in individuals with AXIN2-related conditions. This variant is not present in population databases (ExAC no frequency). This sequence change replaces leucine with phenylalanine at codon 409 of the AXIN2 protein (p.Leu409Phe). The leucine residue is moderately conserved and there is a small physicochemical difference between leucine and phenylalanine.

NM_004655.4(AXIN2):c.1225C>T (p.Leu409Phe)

Gene: AXIN2 (axin 2; minus strand). Cytogenetic location: 17q24.1.
Variant type: single nucleotide variant.
Coding change: c.1225C>T on transcript NM_004655.4 (MANE Select); coding-DNA position 1225, C replaced by T.
Protein change: p.Leu409Phe; replaces leucine 409 with phenylalanine.
Molecular consequence: missense variant.
Genome position (GRCh38, 1-based): chr17:65,537,811, G>A on the plus strand (C>T on the coding strand, the complement: AXIN2 is on the minus strand). VCF-style: chr17-65537811-G-A. GRCh37 (hg19) VCF-style: chr17-63533929-G-A.
Other names: c.1225C>T, p.Leu409Phe (NM_001363813.1); short protein forms L409F.
Identifiers: ClinVar variation 964086 (VCV000964086.11), dbSNP rs1555578122, ClinGen allele CA400677924.
Genomic context (GRCh38, chr17:65,537,811, plus strand): 5'-CGGAGGGCAGTAGGGAGAGGGGGTGCTGCGTGGGCGCCCCCTCCCGCGAATTGAGTGTGA[G>A]CTCGGAGCCCTCTCTCTCTTCATCCTGAAAGGGAAGACGTCAGAAGGAGAAGTGACCCAG-3'
Protein context (NP_004646.3, residues 399-419): REDEEREGSE[Leu409Phe]TLNSREGAPT